The following is an entry in ClinVar:

NM_001009944.3(PKD1):c.6266G>A (p.Arg2089His)

Gene: PKD1 (polycystin 1, transient receptor potential channel interacting; minus strand). Cytogenetic location: 16p13.3.
Variant type: single nucleotide variant.
Coding change: c.6266G>A on transcript NM_001009944.3 (MANE Select); coding-DNA position 6266, G replaced by A.
Protein change: p.Arg2089His; replaces arginine 2089 with histidine.
Molecular consequence: missense variant.
Genome position (GRCh38, 1-based): chr16:2,108,901, C>T on the plus strand (G>A on the coding strand, the complement: PKD1 is on the minus strand). VCF-style: chr16-2108901-C-T. GRCh37 (hg19) VCF-style: chr16-2158902-C-T.
Other names: c.6266G>A (NM_000296.3); c.6266G>A, p.Arg2089His (NM_000296.4); short protein forms R2089H.
Identifiers: ClinVar variation 3363280 (VCV003363280.3).

ClinVar aggregate classification (germline): Uncertain significance. Review status: criteria provided, multiple submitters, no conflicts (2 of 4 stars). 3 submissions from 3 submitters: Uncertain significance (3). Last evaluated 2026-04-09.

Conditions:
Polycystic kidney disease, adult type (PKD1). Also called: Polycystic Kidney Disease 1, Autosomal Dominant; Polycystic kidney disease 1; Polycystic kidney disease 1, severe; Polycystic Kidney, Autosomal Dominant; POLYCYSTIC KIDNEY DISEASE 1 WITH OR WITHOUT POLYCYSTIC LIVER DISEASE; POLYCYSTIC KIDNEY DISEASE, ADULT, TYPE I. Identifiers: MedGen C3149841, MONDO:0008263, OMIM 173900.
Inborn genetic diseases. Identifiers: MedGen C0950123, MeSH D030342.

gnomAD v4.1: 23 of 1,582,396 alleles (0.0015%); highest among the groups gnomAD compares: African/African-American, 0.011%; no homozygotes.

Submissions (3):

Ambry Genetics
Classification: Uncertain significance for Inborn genetic diseases. Last evaluated: 2026-04-09. Review status: criteria provided, single submitter. Criteria: Ambry Variant Classification Scheme 2023. Collection method: clinical testing. Allele origin: germline.

Fulgent Genetics
Classification: Uncertain significance for Polycystic kidney disease, adult type. Last evaluated: 2024-05-28. Review status: criteria provided, single submitter. Criteria: ACMG Guidelines, 2015. Collection method: clinical testing. Allele origin: germline.

GeneDx
Classification: Uncertain significance. Last evaluated: 2023-10-25. Review status: criteria provided, single submitter. Criteria: GeneDx Variant Classification Process June 2021. Collection method: clinical testing. Allele origin: germline. Affected: yes.
Comment: In silico analysis supports that this missense variant does not alter protein structure/function; Has not been previously published as pathogenic or benign to our knowledge